The following is an entry in ClinVar:

ClinVar aggregate classification (germline): Uncertain significance. Review status: criteria provided, multiple submitters, no conflicts (2 of 4 stars). 2 submissions from 2 submitters: Uncertain significance (2). Last evaluated 2018-01-13.

Conditions:
Microcephaly 2, primary, autosomal recessive, with or without cortical malformations. Also called: MICROCEPHALY 2, PRIMARY, AUTOSOMAL RECESSIVE, WITH CORTICAL MALFORMATIONS; WDR62 Primary Microcephaly. Identifiers: Orphanet 2512, MedGen C1858535, MONDO:0011435, OMIM 604317.

Allele frequency attached by ClinVar (database versions not stated): gnomAD 0.00001; TOPMed 0.00001; gnomAD exomes 0.00002.
gnomAD v4.1: 34 of 1,613,766 alleles (0.0021%); highest among the groups gnomAD compares: Non-Finnish European, 0.0026%; no homozygotes.

Submissions (2):

Illumina Laboratory Services, Illumina
Classification: Uncertain significance for Microcephaly 2, primary, autosomal recessive, with or without cortical malformations. Last evaluated: 2018-01-13. Review status: criteria provided, single submitter. Criteria: ICSL Variant Classification Criteria 13 December 2019. Collection method: clinical testing. Allele origin: germline.

GeneDx
Classification: Uncertain significance. Last evaluated: 2017-09-21. Review status: criteria provided, single submitter. Criteria: GeneDx Variant Classification (06012015). Collection method: clinical testing. Allele origin: germline. Affected: yes.
Comment: A variant of uncertain significance has been identified in the WDR62 gene. The Y413F variant has not been published as a pathogenic variant, nor has it been reported as a benign variant to our knowledge. The Y413F variant is not observed in large population cohorts (Lek et al., 2016). The Y413F variant is a non-conservative amino acid substitution, which is likely to impact secondary protein structure as these residues differ in polarity, charge, size and/or other properties. Additionally, this substitution occurs at a position that is conserved in mammals, and in silico analysis predicts this variant is probably damaging to the protein structure/function. Based on the currently available information, it is unclear whether this variant is a pathogenic variant or a rare benign variant.

NM_001083961.2(WDR62):c.1238A>T (p.Tyr413Phe)

Gene: WDR62 (WD repeat domain 62; plus strand). Cytogenetic location: 19q13.12.
Variant type: single nucleotide variant.
Coding change: c.1238A>T on transcript NM_001083961.2 (MANE Select); coding-DNA position 1238, A replaced by T.
Protein change: p.Tyr413Phe; replaces tyrosine 413 with phenylalanine.
Molecular consequence: missense variant.
Genome position (GRCh38, 1-based): chr19:36,081,437, A>T. VCF-style: chr19-36081437-A-T. GRCh37 (hg19) VCF-style: chr19-36572339-A-T.
Other names: c.1238A>T, p.Tyr413Phe (NM_173636.5); short protein forms Y413F.
Identifiers: ClinVar variation 452198 (VCV000452198.6), dbSNP rs1265156638, ClinGen allele CA405435020.